The following is an entry in ClinVar:

ClinVar aggregate classification (germline): Uncertain significance. Review status: criteria provided, single submitter (1 of 4 stars). 2 submissions from 2 submitters: Uncertain significance (1). 1 of the submissions does not count toward it. Last evaluated 2022-10-13.

Conditions:
Fanconi anemia (FA). Also called: Fanconi's anemia. Identifiers: Orphanet 84, MedGen C0015625, MeSH D005199, MONDO:0019391.
Fanconi anemia complementation group G. Also called: Fanconi anemia group G; FANCG-Related Fanconi Anemia. Identifiers: Orphanet 84, MedGen C3469527, MONDO:0013565, OMIM 614082.

Allele frequency attached by ClinVar (database versions not stated): ExAC 0.00001; gnomAD exomes 0.00002; gnomAD 0.00003; TOPMed 0.00003.
gnomAD v4.1: 18 of 1,613,914 alleles (0.0011%); highest among the groups gnomAD compares: Non-Finnish European, 0.0014%; no homozygotes.

Submissions (3):

Labcorp Genetics (formerly Invitae), Labcorp
Classification: Uncertain significance for Fanconi anemia. Last evaluated: 2022-10-13. Review status: criteria provided, single submitter. Criteria: Invitae Variant Classification Sherloc (09022015). Collection method: clinical testing. Allele origin: germline.
Comment: This sequence change replaces glutamic acid, which is acidic and polar, with glutamine, which is neutral and polar, at codon 481 of the FANCG protein (p.Glu481Gln). This variant is present in population databases (rs772460728, gnomAD 0.004%). This variant has not been reported in the literature in individuals affected with FANCG-related conditions. ClinVar contains an entry for this variant (Variation ID: 456229). Advanced modeling of protein sequence and biophysical properties (such as structural, functional, and spatial information, amino acid conservation, physicochemical variation, residue mobility, and thermodynamic stability) performed at Invitae indicates that this missense variant is not expected to disrupt FANCG protein function. In summary, the available evidence is currently insufficient to determine the role of this variant in disease. Therefore, it has been classified as a Variant of Uncertain Significance.

Natera, Inc.
Classification: Uncertain significance for Fanconi anemia group G. Last evaluated: 2019-10-28. Review status: no assertion criteria provided. Collection method: clinical testing. Allele origin: germline. Not counted in ClinVar's aggregate classification.

Dr. Peter K. Rogan Lab, Western University
No classification provided (evidence only). Condition: Hepatocellular carcinoma. Review status: no classification provided. Collection method: in vitro. Allele origin: not applicable. Functional consequence: retained intron. Not counted in ClinVar's aggregate classification.

NM_004629.2(FANCG):c.1441G>C (p.Glu481Gln)

Gene: FANCG (FA complementation group G; minus strand). Cytogenetic location: 9p13.3.
Variant type: single nucleotide variant.
Coding change: c.1441G>C on transcript NM_004629.2 (MANE Select); coding-DNA position 1441, G replaced by C.
Protein change: p.Glu481Gln; replaces glutamic acid 481 with glutamine.
Molecular consequence: missense variant.
Genome position (GRCh38, 1-based): chr9:35,075,318, C>G on the plus strand (G>C on the coding strand, the complement: FANCG is on the minus strand). VCF-style: chr9-35075318-C-G. GRCh37 (hg19) VCF-style: chr9-35075315-C-G.
Other names: short protein forms E481Q.
Identifiers: ClinVar variation 456229 (VCV000456229.6), dbSNP rs772460728, ClinGen allele CA5039737.